The following is an entry in ClinVar:

ClinVar aggregate classification (germline): Uncertain significance. Review status: criteria provided, multiple submitters, no conflicts (2 of 4 stars). 3 submissions from 3 submitters: Uncertain significance (3). Last evaluated 2025-09-10.

Conditions:
TWNK-related disorder. Also called: TWNK-related condition.
Infantile onset spinocerebellar ataxia (MTDPS7). Also called: Mitochondrial DNA depletion syndrome 7 (hepatocerebral type); OHAHA SYNDROME; SPINOCEREBELLAR ATAXIA, INFANTILE, WITH SENSORY NEUROPATHY; OPHTHALMOPLEGIA, HYPOTONIA, ATAXIA, HYPOACUSIS, AND ATHETOSIS. Identifiers: Orphanet 1186, MedGen C1849096, MONDO:0010060, OMIM 271245.

gnomAD v4.1: 1 of 1,614,186 alleles (0.000062%); no homozygotes.

Submissions (3):

Labcorp Genetics (formerly Invitae), Labcorp
Classification: Uncertain significance. Last evaluated: 2025-09-10. Review status: criteria provided, single submitter. Criteria: Invitae Variant Classification Sherloc (09022015). Collection method: clinical testing. Allele origin: germline.
Comment: This sequence change replaces glycine, which is neutral and non-polar, with serine, which is neutral and polar, at codon 669 of the TWNK protein (p.Gly669Ser). This variant is not present in population databases (gnomAD no frequency). This variant has not been reported in the literature in individuals affected with TWNK-related conditions. ClinVar contains an entry for this variant (Variation ID: 1030770). Invitae Evidence Modeling of protein sequence and biophysical properties (such as structural, functional, and spatial information, amino acid conservation, physicochemical variation, residue mobility, and thermodynamic stability) indicates that this missense variant is not expected to disrupt TWNK protein function with a negative predictive value of 95%. In summary, the available evidence is currently insufficient to determine the role of this variant in disease. Therefore, it has been classified as a Variant of Uncertain Significance.

PreventionGenetics, part of Exact Sciences
Classification: Uncertain significance for TWNK-related condition. Last evaluated: 2025-03-14. Review status: criteria provided, single submitter. Criteria: ACMG Guidelines, 2015. Collection method: clinical testing. Allele origin: germline.
Comment: The TWNK c.2005G>A variant is predicted to result in the amino acid substitution p.Gly669Ser. To our knowledge, this variant has not been reported in the literature or in a large population database (gnomAD), indicating this variant is rare. At this time, the clinical significance of this variant is uncertain due to the absence of conclusive functional and genetic evidence.

Baylor Genetics
Classification: Uncertain significance for Infantile onset spinocerebellar ataxia. Last evaluated: 2020-04-02. Review status: criteria provided, single submitter. Criteria: ACMG Guidelines, 2015. Collection method: clinical testing. Allele origin: unknown. Affected: yes.
Comment: This variant was determined to be of uncertain significance according to ACMG Guidelines, 2015 [PMID:25741868].

NM_021830.5(TWNK):c.2005G>A (p.Gly669Ser)

Gene: TWNK (twinkle mtDNA helicase; plus strand). Cytogenetic location: 10q24.31.
Variant type: single nucleotide variant.
Coding change: c.2005G>A on transcript NM_021830.5 (MANE Select); coding-DNA position 2005, G replaced by A.
Protein change: p.Gly669Ser; replaces glycine 669 with serine.
Molecular consequence: missense variant. On other transcripts: 3 prime UTR variant (2), non-coding transcript variant (5).
Genome position (GRCh38, 1-based): chr10:100,993,460, G>A. VCF-style: chr10-100993460-G-A. GRCh37 (hg19) VCF-style: chr10-102753217-G-A.
Other names: c.*300G>A (NM_001163812.2, NM_001163814.2); c.643G>A, p.Gly215Ser (NM_001163813.2, NM_001368275.1); short protein forms G215S, G669S.
Identifiers: ClinVar variation 1030770 (VCV001030770.6), dbSNP rs1851842282, ClinGen allele CA378212866.